The following is an entry in ClinVar:

NM_015662.3(IFT172):c.1768T>C (p.Tyr590His)

Gene: IFT172 (intraflagellar transport 172; minus strand). Cytogenetic location: 2p23.3.
Variant type: single nucleotide variant.
Coding change: c.1768T>C on transcript NM_015662.3 (MANE Select); coding-DNA position 1768, T replaced by C.
Protein change: p.Tyr590His; replaces tyrosine 590 with histidine.
Molecular consequence: missense variant.
Genome position (GRCh38, 1-based): chr2:27,465,807, A>G on the plus strand (T>C on the coding strand, the complement: IFT172 is on the minus strand). VCF-style: chr2-27465807-A-G. GRCh37 (hg19) VCF-style: chr2-27688674-A-G.
Other names: short protein forms Y590H.
Identifiers: ClinVar variation 1428303 (VCV001428303.6), dbSNP rs1667049048, ClinGen allele CA346387104.

ClinVar aggregate classification (germline): Uncertain significance (1 of 4 stars; one submission).

Conditions:
Short-rib thoracic dysplasia 10 with or without polydactyly (SRTD10). Identifiers: Orphanet 474, MedGen C3810175, MONDO:0014284, OMIM 615630.
Retinitis pigmentosa 71 (RP71). Identifiers: Orphanet 791, MedGen C4225342, MONDO:0014618, OMIM 616394.

Allele frequency attached by ClinVar (database versions not stated): gnomAD exomes below 0.00001; gnomAD 0.00002.
gnomAD v4.1: 4 of 1,613,936 alleles (0.00025%); highest among the groups gnomAD compares: Admixed American, 0.0033%; no homozygotes.

Submission:

Labcorp Genetics (formerly Invitae), Labcorp
Classification: Uncertain significance for Retinitis pigmentosa 71; Short-rib thoracic dysplasia 10 with or without polydactyly. Last evaluated: 2022-09-07. Review status: criteria provided, single submitter. Criteria: Invitae Variant Classification Sherloc (09022015). Collection method: clinical testing. Allele origin: germline.
Comment: In summary, the available evidence is currently insufficient to determine the role of this variant in disease. Therefore, it has been classified as a Variant of Uncertain Significance. Algorithms developed to predict the effect of missense changes on protein structure and function are either unavailable or do not agree on the potential impact of this missense change (SIFT: "Deleterious"; PolyPhen-2: "Possibly Damaging"; Align-GVGD: "Class C0"). ClinVar contains an entry for this variant (Variation ID: 1428303). This variant has not been reported in the literature in individuals affected with IFT172-related conditions. This variant is not present in population databases (gnomAD no frequency). This sequence change replaces tyrosine, which is neutral and polar, with histidine, which is basic and polar, at codon 590 of the IFT172 protein (p.Tyr590His).